The following is an entry in ClinVar:

ClinVar aggregate classification (germline): Uncertain significance. Review status: criteria provided, multiple submitters, no conflicts (2 of 4 stars). 2 submissions from 2 submitters: Uncertain significance (2). Last evaluated 2025-10-25.

Conditions:
Oligodontia-cancer predisposition syndrome. Also called: TOOTH AGENESIS-COLORECTAL CANCER SYNDROME. Identifiers: Orphanet 300576, MedGen C1837750, MONDO:0012075, OMIM 608615. Disease mechanism: loss of function.
Hereditary cancer-predisposing syndrome. Also called: Hereditary Cancer Syndrome; Neoplastic Syndromes, Hereditary; Tumor predisposition; Hereditary neoplastic syndrome. Identifiers: Orphanet 140162, MedGen C0027672, MeSH D009386, MONDO:0015356.

Submissions (2):

Ambry Genetics
Classification: Uncertain significance for Hereditary cancer-predisposing syndrome. Last evaluated: 2025-10-25. Review status: criteria provided, single submitter. Criteria: Ambry Variant Classification Scheme 2023. Collection method: clinical testing. Allele origin: germline.
Comment: The p.T207I variant (also known as c.620C>T), located in coding exon 1 of the AXIN2 gene, results from a C to T substitution at nucleotide position 620. The threonine at codon 207 is replaced by isoleucine, an amino acid with similar properties. This amino acid position is poorly conserved in available vertebrate species. In addition, this alteration is predicted to be tolerated by in silico analysis. Since supporting evidence is limited at this time, the clinical significance of this alteration remains unclear.

Labcorp Genetics (formerly Invitae), Labcorp
Classification: Uncertain significance for Oligodontia-cancer predisposition syndrome. Last evaluated: 2025-08-04. Review status: criteria provided, single submitter. Criteria: Invitae Variant Classification Sherloc (09022015). Collection method: clinical testing. Allele origin: germline.
Comment: This sequence change replaces threonine, which is neutral and polar, with isoleucine, which is neutral and non-polar, at codon 207 of the AXIN2 protein (p.Thr207Ile). This variant is not present in population databases (gnomAD no frequency). This variant has not been reported in the literature in individuals affected with AXIN2-related conditions. ClinVar contains an entry for this variant (Variation ID: 1023117). Invitae Evidence Modeling of protein sequence and biophysical properties (such as structural, functional, and spatial information, amino acid conservation, physicochemical variation, residue mobility, and thermodynamic stability) indicates that this missense variant is not expected to disrupt AXIN2 protein function with a negative predictive value of 80%. In summary, the available evidence is currently insufficient to determine the role of this variant in disease. Therefore, it has been classified as a Variant of Uncertain Significance.

NM_004655.4(AXIN2):c.620C>T (p.Thr207Ile)

Gene: AXIN2 (axin 2; minus strand). Cytogenetic location: 17q24.1.
Variant type: single nucleotide variant.
Coding change: c.620C>T on transcript NM_004655.4 (MANE Select); coding-DNA position 620, C replaced by T.
Protein change: p.Thr207Ile; replaces threonine 207 with isoleucine.
Molecular consequence: missense variant.
Genome position (GRCh38, 1-based): chr17:65,558,001, G>A on the plus strand (C>T on the coding strand, the complement: AXIN2 is on the minus strand). VCF-style: chr17-65558001-G-A. GRCh37 (hg19) VCF-style: chr17-63554119-G-A.
Other names: c.620C>T, p.Thr207Ile (NM_001363813.1); short protein forms T207I.
Identifiers: ClinVar variation 1023117 (VCV001023117.10), dbSNP rs2044296681, ClinGen allele CA400680648.